The following is an entry in ClinVar:

NM_015884.4(MBTPS2):c.689T>C (p.Val230Ala)

Gene: MBTPS2 (membrane bound transcription factor peptidase, site 2; plus strand). Cytogenetic location: Xp22.12.
Variant type: single nucleotide variant.
Coding change: c.689T>C on transcript NM_015884.4 (MANE Select); coding-DNA position 689, T replaced by C.
Protein change: p.Val230Ala; replaces valine 230 with alanine.
Molecular consequence: missense variant.
Genome position (GRCh38, 1-based): chrX:21,868,485, T>C. VCF-style: chrX-21868485-T-C. GRCh37 (hg19) VCF-style: chrX-21886603-T-C.
Other names: short protein forms V230A.
Identifiers: ClinVar variation 3234712 (VCV003234712.20), dbSNP rs2519580444, ClinGen allele CA412567837.

ClinVar aggregate classification (germline): Uncertain significance (1 of 4 stars; one submission).

Allele frequency attached by ClinVar (database versions not stated): gnomAD exomes below 0.00001.
gnomAD v4.1: 1 of 1,201,999 alleles (0.000083%); highest among the groups gnomAD compares: Non-Finnish European, 0.00011%; no homozygotes.

Submission:

CeGaT Center for Human Genetics Tuebingen
Classification: Uncertain significance. Last evaluated: 2024-04-01. Review status: criteria provided, single submitter. Criteria: CeGaT Center For Human Genetics Tuebingen Variant Classification Criteria Version 2. Collection method: clinical testing. Allele origin: germline. Affected: yes. Observed: 1 variant allele.
Comment: MBTPS2: PM2